The following is an entry in ClinVar:

NM_004484.4(GPC3):c.1600G>A (p.Asp534Asn)

Gene: GPC3 (glypican 3; minus strand). Cytogenetic location: Xq26.2.
Variant type: single nucleotide variant.
Coding change: c.1600G>A on transcript NM_004484.4 (MANE Select); coding-DNA position 1600, G replaced by A.
Protein change: p.Asp534Asn; replaces aspartic acid 534 with asparagine.
Molecular consequence: missense variant.
Genome position (GRCh38, 1-based): chrX:133,536,267, C>T on the plus strand (G>A on the coding strand, the complement: GPC3 is on the minus strand). VCF-style: chrX-133536267-C-T. GRCh37 (hg19) VCF-style: chrX-132670295-C-T.
Other names: c.1669G>A, p.Asp557Asn (NM_001164617.2); c.1552G>A, p.Asp518Asn (NM_001164618.2); c.1438G>A, p.Asp480Asn (NM_001164619.2); short protein forms D480N, D518N, D534N, D557N.
Identifiers: ClinVar variation 1021147 (VCV001021147.9), dbSNP rs2069290892, ClinGen allele CA414703175.
Genomic context (GRCh38, chrX:133,536,267, plus strand): 5'-TGTGAAAGGTGCTTATCTCGTTGTCCTTCGGAGTTGCCTGCTGACTGTTTCCAGGCGCAT[C>T]ATCCACATCCAGATCATAGGCCAGTTCTGTCAATCAAAAGAGAAGGATTTGAAATGCAAG-3'
Protein context (NP_004475.1, residues 524-544): AELAYDLDVD[Asp534Asn]APGNSQQATP

ClinVar aggregate classification (germline): Uncertain significance (1 of 4 stars; one submission).

Conditions:
Wilms tumor 1 (WT1). Also called: Wilms tumor, somatic. Identifiers: Orphanet 654, MedGen CN033288, MONDO:0008679, OMIM 194070.

Allele frequency attached by ClinVar (database versions not stated): gnomAD exomes 0.00001.
gnomAD v4.1: 7 of 1,205,048 alleles (0.00058%); highest among the groups gnomAD compares: Non-Finnish European, 0.00079%; no homozygotes.

Submission:

Labcorp Genetics (formerly Invitae), Labcorp
Classification: Uncertain significance for Wilms tumor 1. Last evaluated: 2022-08-16. Review status: criteria provided, single submitter. Criteria: Invitae Variant Classification Sherloc (09022015). Collection method: clinical testing. Allele origin: germline.
Comment: In summary, the available evidence is currently insufficient to determine the role of this variant in disease. Therefore, it has been classified as a Variant of Uncertain Significance. Algorithms developed to predict the effect of missense changes on protein structure and function are either unavailable or do not agree on the potential impact of this missense change (SIFT: "Tolerated"; PolyPhen-2: "Possibly Damaging"; Align-GVGD: "Class C0"). ClinVar contains an entry for this variant (Variation ID: 1021147). This variant has not been reported in the literature in individuals affected with GPC3-related conditions. This variant is not present in population databases (gnomAD no frequency). This sequence change replaces aspartic acid, which is acidic and polar, with asparagine, which is neutral and polar, at codon 534 of the GPC3 protein (p.Asp534Asn).